The following is an entry in ClinVar:

ClinVar aggregate classification (germline): Likely benign. Review status: criteria provided, multiple submitters, no conflicts (2 of 4 stars). 3 submissions from 3 submitters: Likely benign (3). Last evaluated 2026-02-02.

Conditions:
Inflammatory skin and bowel disease, neonatal, 1. Identifiers: Orphanet 294023, MedGen C3280501, MONDO:0013693, OMIM 614328.

Allele frequency attached by ClinVar (database versions not stated): ExAC 0.00054; gnomAD exomes 0.00058; TOPMed 0.00060; gnomAD 0.00082 and 0.00085; 1000 Genomes Project 30x 0.00016; 1000 Genomes Project 0.00020; ESP Exome Variant Server 0.00046.
gnomAD v4.1: 720 of 1,614,098 alleles (0.045%); highest among the groups gnomAD compares: Admixed American, 0.26%; 2 homozygotes.

Submissions (3):

Labcorp Genetics (formerly Invitae), Labcorp
Classification: Likely benign for Inflammatory skin and bowel disease, neonatal, 1. Last evaluated: 2026-02-02. Review status: criteria provided, single submitter. Criteria: Invitae Variant Classification Sherloc (09022015). Collection method: clinical testing. Allele origin: germline.

Mayo Clinic Laboratories, Mayo Clinic
Classification: Likely benign. Last evaluated: 2025-06-17. Review status: criteria provided, single submitter. Criteria: ACMG Guidelines, 2015. Collection method: clinical testing. Allele origin: germline. Observed: 1 variant allele.
Comment: BS1

Blueprint Genetics
Classification: Likely benign. Last evaluated: 2024-10-31. Review status: criteria provided, single submitter. Criteria: ACMG Guidelines, 2015. Collection method: clinical testing. Allele origin: germline.

NM_003183.6(ADAM17):c.1471C>T (p.Pro491Ser)

Genes: ADAM17 (ADAM metallopeptidase domain 17; minus strand), IAH1 (isoamyl acetate hydrolyzing esterase 1 (putative); plus strand). Cytogenetic location: 2p25.1.
Variant type: single nucleotide variant.
Coding change: c.1471C>T on transcript NM_003183.6 (MANE Select); coding-DNA position 1471, C replaced by T.
Protein change: p.Pro491Ser; replaces proline 491 with serine.
Molecular consequence: missense variant.
Genome position (GRCh38, 1-based): chr2:9,505,239, G>A on the plus strand (C>T on the coding strand, the complement: ADAM17 is on the minus strand). VCF-style: chr2-9505239-G-A. GRCh37 (hg19) VCF-style: chr2-9645368-G-A.
Other names: p.Pro491Ser; c.1471C>T, p.Pro491Ser (LRG_1203t1); short protein forms P491S.
Identifiers: ClinVar variation 539947 (VCV000539947.14), dbSNP rs55937573, ClinGen allele CA1523497.